The following is an entry in ClinVar:

ClinVar aggregate classification (germline): Uncertain significance (1 of 4 stars; one submission).

Conditions:
Rhabdoid tumor predisposition syndrome 2 (RTPS2). Identifiers: Orphanet 231108, Orphanet 69077, MedGen C2750074, MONDO:0013224, OMIM 613325.

Submission:

Labcorp Genetics (formerly Invitae), Labcorp
Classification: Uncertain significance for Rhabdoid tumor predisposition syndrome 2. Last evaluated: 2021-02-13. Review status: criteria provided, single submitter. Criteria: Invitae Variant Classification Sherloc (09022015). Collection method: clinical testing. Allele origin: germline.
Comment: In summary, the available evidence is currently insufficient to determine the role of this variant in disease. Therefore, it has been classified as a Variant of Uncertain Significance. Algorithms developed to predict the effect of missense changes on protein structure and function are either unavailable or do not agree on the potential impact of this missense change (SIFT: "Deleterious"; PolyPhen-2: "Benign"; Align-GVGD: "Class C0"). This variant has not been reported in the literature in individuals with SMARCA4-related conditions. This variant is not present in population databases (ExAC no frequency). This sequence change replaces threonine with alanine at codon 739 of the SMARCA4 protein (p.Thr739Ala). The threonine residue is highly conserved and there is a small physicochemical difference between threonine and alanine.

NM_003072.5(SMARCA4):c.2215A>G (p.Thr739Ala)

Gene: SMARCA4 (SWI/SNF related BAF chromatin remodeling complex subunit ATPase 4; plus strand). Cytogenetic location: 19p13.2.
Variant type: single nucleotide variant.
Coding change: c.2215A>G on transcript NM_003072.5 (MANE Select); coding-DNA position 2215, A replaced by G.
Protein change: p.Thr739Ala; replaces threonine 739 with alanine.
Molecular consequence: missense variant. On other transcripts: non-coding transcript variant (1).
Genome position (GRCh38, 1-based): chr19:11,010,472, A>G. VCF-style: chr19-11010472-A-G. GRCh37 (hg19) VCF-style: chr19-11121148-A-G.
Other names: c.2215A>G, p.Thr739Ala (NM_001128844.3, NM_001128845.2, NM_001128846.2 and 5 more transcripts); short protein forms T739A.
Identifiers: ClinVar variation 1433951 (VCV001433951.8), dbSNP rs2146237158, ClinGen allele CA404052848.